The following is an entry in ClinVar:

NC_000001.10:g.(?_155658881)_(155708802_?)dup

Gene: DAP3 (death associated protein 3; plus strand). Cytogenetic location: 1q22.
Variant type: Duplication.
Identifiers: ClinVar variation 4537141 (VCV004537141.1).

ClinVar aggregate classification (germline): Uncertain significance (1 of 4 stars; one submission).

Submission:

Women's Health and Genetics/Laboratory Corporation of America, LabCorp
Classification: Uncertain significance. Last evaluated: 2025-11-03. Review status: criteria provided, single submitter. Criteria: LabCorp Variant Classification Summary - May 2015. Collection method: clinical testing. Allele origin: germline.
Comment: Variant summary: The variant involves the duplication of exons1-13 in the DAP3 gene. This duplication includes the entire coding sequence of the gene. As exact breakpoints are unknown, it may extend beyond the annotated region of the gene, to include other flanking genes. A presumed nomenclature of c.(?_-92)_(*769_?)dup has been designated for the purposes of this classification. The variant was absent in 21516 control chromosomes. The available data on variant occurrences in the general population are insufficient to allow any conclusion about variant significance. To our knowledge, no occurrence of c.(?_-92)_(*769_?)dup in individuals affected with DAP3-related conditions and no experimental evidence demonstrating its impact on protein function have been reported. No submitters have cited clinical-significance assessments for this variant to ClinVar. Based on the evidence outlined above, the variant was classified as uncertain significance.